The following is an entry in ClinVar:

ClinVar aggregate classification (germline): Uncertain significance (1 of 4 stars; one submission).

Conditions:
RYR1-related disorder. Also called: RYR1-related condition; RYR1-related disorders. Identifiers: MedGen CN239331.

Submission:

Labcorp Genetics (formerly Invitae), Labcorp
Classification: Uncertain significance for RYR1-related disorder. Last evaluated: 2023-05-05. Review status: criteria provided, single submitter. Criteria: Invitae Variant Classification Sherloc (09022015). Collection method: clinical testing. Allele origin: germline.
Comment: In summary, the available evidence is currently insufficient to determine the role of this variant in disease. Therefore, it has been classified as a Variant of Uncertain Significance. Advanced modeling of protein sequence and biophysical properties (such as structural, functional, and spatial information, amino acid conservation, physicochemical variation, residue mobility, and thermodynamic stability) has been performed at Invitae for this missense variant, however the output from this modeling did not meet the statistical confidence thresholds required to predict the impact of this variant on RYR1 protein function. This variant has not been reported in the literature in individuals affected with RYR1-related conditions. This variant is not present in population databases (gnomAD no frequency). This sequence change replaces leucine, which is neutral and non-polar, with histidine, which is basic and polar, at codon 538 of the RYR1 protein (p.Leu538His).

NM_000540.3(RYR1):c.1613T>A (p.Leu538His)

Gene: RYR1 (ryanodine receptor 1; plus strand). Cytogenetic location: 19q13.2.
Variant type: single nucleotide variant.
Coding change: c.1613T>A on transcript NM_000540.3 (MANE Select); coding-DNA position 1613, T replaced by A.
Protein change: p.Leu538His; replaces leucine 538 with histidine.
Molecular consequence: missense variant.
Genome position (GRCh38, 1-based): chr19:38,455,487, T>A. VCF-style: chr19-38455487-T-A. GRCh37 (hg19) VCF-style: chr19-38946127-T-A.
Other names: c.1613T>A, p.Leu538His (NM_001042723.2); short protein forms L538H.
Identifiers: ClinVar variation 2862303 (VCV002862303.3), dbSNP rs2514026916, ClinGen allele CA405689902.